The following is an entry in ClinVar:

ClinVar aggregate classification (germline): Pathogenic/Likely pathogenic. Review status: criteria provided, multiple submitters, no conflicts (2 of 4 stars). 3 submissions from 3 submitters: Pathogenic (1); Likely pathogenic (2). Last evaluated 2024-02-19.

Conditions:
Glycogen storage disease IXc (GSD9C). Also called: GSD IXc. Identifiers: Orphanet 264580, MedGen C2751643, MONDO:0013091, OMIM 613027.
PHKG2-related disorder. Also called: PHKG2-related condition.

Allele frequency attached by ClinVar (database versions not stated): TOPMed 0.00004; gnomAD 0.00006.
gnomAD v4.1: 164 of 1,612,880 alleles (0.01%); highest among the groups gnomAD compares: Non-Finnish European, 0.013%; no homozygotes.

Submissions (3):

Labcorp Genetics (formerly Invitae), Labcorp
Classification: Pathogenic for Glycogen storage disease IXc. Last evaluated: 2024-02-19. Review status: criteria provided, single submitter. Criteria: Invitae Variant Classification Sherloc (09022015). Collection method: clinical testing. Allele origin: germline.
Comment: This sequence change falls in intron 2 of the PHKG2 gene. It does not directly change the encoded amino acid sequence of the PHKG2 protein. This variant is present in population databases (rs751600886, gnomAD 0.005%). This variant has been observed in individual(s) with glycogen storage disease (PMID: 24389071; Invitae). In at least one individual the data is consistent with being in trans (on the opposite chromosome) from a pathogenic variant. ClinVar contains an entry for this variant (Variation ID: 1066974). Algorithms developed to predict the effect of sequence changes on RNA splicing suggest that this variant may disrupt the consensus splice site. For these reasons, this variant has been classified as Pathogenic.

PreventionGenetics, part of Exact Sciences
Classification: Likely pathogenic for PHKG2-related condition. Last evaluated: 2023-03-10. Review status: criteria provided, single submitter. Criteria: ACMG Guidelines, 2015. Collection method: clinical testing. Allele origin: germline.
Comment: The PHKG2 c.96-11G>A variant is predicted to interfere with splicing. This variant was reported in two patients with clinical and laboratory findings consistent with glycogen storage disease type IX, including one patient who was compound heterozygous for another pathogenic variant in PHKG2 (p.Gln83*, Patient 3, Bali et al. 2014. PubMed ID: 24389071). Another pathogenic variant was not detected in the second patient reported with the c.96-11G>A variant. However, this patient had low levels of PhK activity in the liver and the erythrocytes, and further testing to detect a second pathogenic allele was not performed (Patient 5, Bali et al. 2014. PubMed ID: 24389071). This substitution is predicted to create a new splicing acceptor site which is predicted to cause the in-frame insertion of SerSerCys. This variant is reported in 0.0050% of alleles in individuals of East Asian descent in gnomAD. This variant is interpreted as likely pathogenic.

Neuberg Centre For Genomic Medicine, NCGM
Classification: Likely pathogenic for Glycogen storage disease IXc. Review status: criteria provided, single submitter. Criteria: ACMG Guidelines, 2015. Collection method: clinical testing. Allele origin: germline. Inheritance: Autosomal recessive inheritance. Affected: yes.
Comment: The intron c.96-11G>A variant in PHKG2 gene has not been previously reported in homozygous and compound heterozygous state in multiple individuals affected with Glycogen storage disease IXc (Kido J et al. 2021; Li C et al. 2018; Bali DS et al. 2014). The c.96-11G>A variant is present with allele frequency of 0.002% in gnomAD Exomes. This variant has been submitted to the ClinVar database as Likely Pathogenic. SpliceAI predicts this variant to cause splice donor gain(score-0.99). Splice Site Prediction tool predicts that the c.96-11G>A substitution creates a new acceptor splice site, nine nucleotides upstream from the normal intron 2 acceptor splice site. Functional studies are required to prove the pathogenicity for the variant, for these reasons, this variant has been classified as Likely Pathogenic.

Literature cited by the submitters: PubMed 24389071 (cited by Labcorp Genetics (formerly Invitae), Labcorp).

NM_000294.3(PHKG2):c.96-11G>A

Gene: PHKG2 (phosphorylase kinase catalytic subunit gamma 2; plus strand). Cytogenetic location: 16p11.2.
Variant type: single nucleotide variant.
Coding change: c.96-11G>A on transcript NM_000294.3 (MANE Select); 11 bases into the intron before coding-DNA position 96, G replaced by A.
Molecular consequence: intron variant.
Genome position (GRCh38, 1-based): chr16:30,751,095, G>A. VCF-style: chr16-30751095-G-A. GRCh37 (hg19) VCF-style: chr16-30762416-G-A.
Other names: c.96-11G>A (NM_001172432.2, NM_000294.2).
Identifiers: ClinVar variation 1066974 (VCV001066974.11), dbSNP rs751600886, ClinGen allele CA8013034.
Genomic context (GRCh38, chr16:30,751,095, plus strand): 5'-GCTGAGGCCCCAGCCTGTGCGGAAATGTGAGCACAGAGGCCCTGACTTGTGCTATTTTCC[G>A]GCTCTTGCAGAGGAGTGAGCTCTGTGGTCCGCCGTTGTGTTCATCGAGCTACTGGCCACG-3'